The following is an entry in ClinVar:

ClinVar aggregate classification (germline): Uncertain significance (1 of 4 stars; one submission).

Conditions:
Cardiovascular phenotype. Identifiers: MedGen CN230736.

Allele frequency attached by ClinVar (database versions not stated): TOPMed below 0.00001; gnomAD exomes 0.00001.
gnomAD v4.1: 10 of 1,613,422 alleles (0.00062%); highest among the groups gnomAD compares: Non-Finnish European, 0.00059%; no homozygotes.

Submission:

Ambry Genetics
Classification: Uncertain significance for Cardiovascular phenotype. Last evaluated: 2021-12-08. Review status: criteria provided, single submitter. Criteria: Ambry Variant Classification Scheme 2023. Collection method: clinical testing. Allele origin: germline.
Comment: The p.H2803P variant (also known as c.8408A>C), located in coding exon 23 of the TNXB gene, results from an A to C substitution at nucleotide position 8408. The histidine at codon 2803 is replaced by proline, an amino acid with similar properties. This amino acid position is conserved. In addition, this alteration is predicted to be tolerated by in silico analysis. Since supporting evidence is limited at this time, the clinical significance of this alteration remains unclear.

NM_001365276.2(TNXB):c.8408A>C (p.His2803Pro)

Gene: TNXB (tenascin XB; minus strand). Cytogenetic location: 6p21.33.
Variant type: single nucleotide variant.
Coding change: c.8408A>C on transcript NM_001365276.2 (MANE Select); coding-DNA position 8408, A replaced by C.
Protein change: p.His2803Pro; replaces histidine 2803 with proline.
Molecular consequence: missense variant.
Genome position (GRCh38, 1-based): chr6:32,055,910, T>G on the plus strand (A>C on the coding strand, the complement: TNXB is on the minus strand). VCF-style: chr6-32055910-T-G. GRCh37 (hg19) VCF-style: chr6-32023687-T-G.
Other names: c.8408A>C, p.His2803Pro (NM_019105.8); short protein forms H2803P.
Identifiers: ClinVar variation 1763266 (VCV001763266.2), dbSNP rs200755718, ClinGen allele CA136904648.